The following is an entry in ClinVar:

NM_004168.4(SDHA):c.720_722del (p.Glu240del)

Gene: SDHA (succinate dehydrogenase complex flavoprotein subunit A; plus strand). Cytogenetic location: 5p15.33.
Variant type: Deletion.
Coding change: c.720_722del on transcript NM_004168.4 (MANE Select); coding-DNA positions 720 to 722, 3 bases deleted (GGA; older notation c.720_722delGGA).
Protein change: p.Glu240del; deletes glutamic acid 240.
Molecular consequence: inframe deletion.
Genome position (GRCh38, 1-based): chr5:228,283-228,285, GGA deleted; deleting any 3 consecutive bases within chr5:228,281-228,285 gives the same sequence; the c. name uses the placement nearest the transcript's 3' end. VCF-style (leftmost placement, unchanged base first): chr5-228280-AGAG-A. GRCh37 (hg19) VCF-style: chr5-228395-AGAG-A.
Other names: c.576_578del, p.Glu192del (NM_001294332.2); c.720_722del, p.Glu240del (NM_001330758.2); short protein forms E240del, E192del.
Identifiers: ClinVar variation 568521 (VCV000568521.9), dbSNP rs1560990000, ClinGen allele CA891842544.

ClinVar aggregate classification (germline): Uncertain significance (1 of 4 stars; one submission).

Conditions:
Mitochondrial complex II deficiency, nuclear type 1. Also called: SUCCINATE CoQ REDUCTASE DEFICIENCY. Identifiers: Orphanet 3208, MedGen C5700310, MONDO:0100294, OMIM 252011.
Pheochromocytoma/paraganglioma syndrome 5. Also called: Paragangliomas 5; SDHA-Related Hereditary Paraganglioma-Pheochromocytoma Syndrome. Identifiers: Orphanet 29072, MedGen C3279992, MONDO:0013602, OMIM 614165.

Submission:

Labcorp Genetics (formerly Invitae), Labcorp
Classification: Uncertain significance for Pheochromocytoma/paraganglioma syndrome 5; Mitochondrial complex II deficiency, nuclear type 1. Last evaluated: 2018-02-15. Review status: criteria provided, single submitter. Criteria: Invitae Variant Classification Sherloc (09022015). Collection method: clinical testing. Allele origin: germline.
Comment: This variant is not present in population databases (ExAC no frequency). In summary, the available evidence is currently insufficient to determine the role of this variant in disease. Therefore, it has been classified as a Variant of Uncertain Significance. Experimental studies and prediction algorithms are not available for this variant, and the functional significance of the deleted amino acid is currently unknown. This variant has not been reported in the literature in individuals with SDHA-related disease. This variant, c.720_722delGGA, results in the deletion of 1 amino acid of the SDHA protein (p.Glu240del), but otherwise preserves the integrity of the reading frame.